The following is an entry in ClinVar:

NM_000203.5(IDUA):c.1608delinsTT (p.Leu536fs)

Gene: IDUA (alpha-L-iduronidase; plus strand). Cytogenetic location: 4p16.3.
Variant type: Indel.
Coding change: c.1608delinsTT on transcript NM_000203.5 (MANE Select); coding-DNA position 1608, G replaced by TT.
Protein change: p.Leu536fs; shifts the reading frame from leucine 536.
Molecular consequence: frameshift variant. On other transcripts: non-coding transcript variant (1).
Genome position (GRCh38, 1-based): chr4:1,003,428, G replaced by TT. VCF-style: chr4-1003428-G-TT. GRCh37 (hg19) VCF-style: chr4-997216-G-TT.
Other names: c.1212delinsTT, p.Leu404fs (NM_001363576.1); short protein forms L404fs, L536fs.
Identifiers: ClinVar variation 5011322 (VCV005011322.1).
Genomic context (GRCh38, chr4:1,003,428, plus strand): 5'-CCCCTTACCCGCCGGCGGCCGCCTGACCCTGCGCCCCGCGCTGCGGCTGCCGTCGCTTTT[G>TT]CTGGTGCACGTGTGTGCGCGCCCCGAGAAGCCGCCCGGGCAGGCAAGTGGCAGTCCCCTA-3'

ClinVar aggregate classification (germline): Pathogenic (1 of 4 stars; one submission).

Conditions:
Mucopolysaccharidosis type 1. Also called: IDUA deficiency; MPS I; Mucopolysaccharidosis Type I. Identifiers: Orphanet 579, MedGen C0023786, MONDO:0001586.

Submission:

Myriad Genetics, Inc.
Classification: Pathogenic for Mucopolysaccharidosis type 1. Last evaluated: 2023-08-11. Review status: criteria provided, single submitter. Criteria: Myriad Autosomal Dominant, Autosomal Recessive and X-Linked Classification Criteria (2023). Collection method: clinical testing. Allele origin: unknown.
Comment: NM_000203.3(IDUA):c.1608delGinsTT(L536Ffs*36) is expected to be pathogenic in the context of mucopolysaccharidosis type I. This variant is predicted to lead to an abnormal or absent protein product due to the creation of a premature termination codon in IDUA, a gene where loss-of-function variants are known to be pathogenic. Please note: this variant was assessed in the context of healthy population screening.